The following is an entry in ClinVar:

ClinVar aggregate classification (germline): Uncertain significance (1 of 4 stars; one submission).

Submission:

Labcorp Genetics (formerly Invitae), Labcorp
Classification: Uncertain significance. Last evaluated: 2025-12-08. Review status: criteria provided, single submitter. Criteria: Invitae Variant Classification Sherloc (09022015). Collection method: clinical testing. Allele origin: germline.
Comment: This sequence change replaces glycine, which is neutral and non-polar, with alanine, which is neutral and non-polar, at codon 431 of the ANKH protein (p.Gly431Ala). This variant is not present in population databases (gnomAD no frequency). This variant has not been reported in the literature in individuals affected with ANKH-related conditions. Invitae Evidence Modeling of protein sequence and biophysical properties (such as structural, functional, and spatial information, amino acid conservation, physicochemical variation, residue mobility, and thermodynamic stability) indicates that this missense variant is not expected to disrupt ANKH protein function with a negative predictive value of 80%. In summary, the available evidence is currently insufficient to determine the role of this variant in disease. Therefore, it has been classified as a Variant of Uncertain Significance.

NM_054027.6(ANKH):c.1292G>C (p.Gly431Ala)

Genes: ANKH (ANKH inorganic pyrophosphate transport regulator; minus strand), OTULIN (OTU deubiquitinase with linear linkage specificity; plus strand), LOC100130744 (uncharacterized LOC100130744; plus strand). Cytogenetic location: 5p15.2.
Variant type: single nucleotide variant.
Coding change: c.1292G>C on transcript NM_054027.6 (MANE Select); coding-DNA position 1292, G replaced by C.
Protein change: p.Gly431Ala; replaces glycine 431 with alanine.
Molecular consequence: missense variant. On other transcripts: non-coding transcript variant (1).
Genome position (GRCh38, 1-based): chr5:14,712,947, C>G on the plus strand (G>C on the coding strand, the complement: ANKH is on the minus strand). VCF-style: chr5-14712947-C-G. GRCh37 (hg19) VCF-style: chr5-14713056-C-G.
Other names: short protein forms G431A.
Identifiers: ClinVar variation 4803533 (VCV004803533.1).